The following is an entry in ClinVar:

NM_014264.5(PLK4):c.1011A>G (p.Ser337=)

Gene: PLK4 (polo like kinase 4; plus strand). Cytogenetic location: 4q28.1.
Variant type: single nucleotide variant.
Coding change: c.1011A>G on transcript NM_014264.5 (MANE Select); coding-DNA position 1011, A replaced by G.
Protein change: p.Ser337=; no amino-acid change (serine 337 retained).
Molecular consequence: synonymous variant.
Genome position (GRCh38, 1-based): chr4:127,886,381, A>G. VCF-style: chr4-127886381-A-G. GRCh37 (hg19) VCF-style: chr4-128807536-A-G.
Other names: c.915A>G, p.Ser305= (NM_001190799.2); c.888A>G, p.Ser296= (NM_001190801.2).
Identifiers: ClinVar variation 747167 (VCV000747167.32), dbSNP rs201311086, ClinGen allele CA3076669.

ClinVar aggregate classification (germline): Likely benign. Review status: criteria provided, multiple submitters, no conflicts (2 of 4 stars). 3 submissions from 3 submitters: Likely benign (3). Last evaluated 2025-05-30.

Allele frequency attached by ClinVar (database versions not stated): gnomAD 0.00001; gnomAD exomes 0.00001 and 0.00002; ExAC 0.00003; ESP Exome Variant Server 0.00008; 1000 Genomes Project 30x 0.00016; 1000 Genomes Project 0.00020.
gnomAD v4.1: 24 of 1,613,914 alleles (0.0015%); highest among the groups gnomAD compares: Middle Eastern, 0.16%; no homozygotes.

Submissions (3):

Labcorp Genetics (formerly Invitae), Labcorp
Classification: Likely benign. Last evaluated: 2025-05-30. Review status: criteria provided, single submitter. Criteria: Invitae Variant Classification Sherloc (09022015). Collection method: clinical testing. Allele origin: germline.

Blueprint Genetics
Classification: Likely benign. Last evaluated: 2024-11-12. Review status: criteria provided, single submitter. Criteria: ACMG Guidelines, 2015. Collection method: clinical testing. Allele origin: germline.

CeGaT Center for Human Genetics Tuebingen
Classification: Likely benign. Last evaluated: 2023-02-01. Review status: criteria provided, single submitter. Criteria: CeGaT Center For Human Genetics Tuebingen Variant Classification Criteria Version 2. Collection method: clinical testing. Allele origin: germline. Affected: yes. Observed: 1 variant allele.
Comment: PLK4: BP4, BP7